The following is an entry in ClinVar:

ClinVar aggregate classification (germline): Pathogenic (1 of 4 stars; one submission).

Conditions:
Osteogenesis imperfecta type 6. Also called: Osteogenesis imperfecta, type VI. Identifiers: Orphanet 666, MedGen C3279564, MONDO:0013515, OMIM 613982.

Submission:

MVZ Martinsried, Medicover Genetics
Classification: Pathogenic for Osteogenesis imperfecta type 6. Last evaluated: 2025-11-20. Review status: criteria provided, single submitter. Criteria: ACGS Guidelines, 2020. Collection method: clinical testing. Allele origin: unknown. Affected: yes. Observed: 1 compound heterozygote.
Comment: Confirmed in trans with variant NM_002615.7(SERPINF1):c.324_325dup

NM_002615.7(SERPINF1):c.80dup (p.Glu28fs)

Gene: SERPINF1 (serpin family F member 1; plus strand). Cytogenetic location: 17p13.3.
Variant type: Duplication.
Coding change: c.80dup on transcript NM_002615.7 (MANE Select); coding-DNA position 80, one base duplicated (A; older notation c.80dupA).
Protein change: p.Glu28fs; shifts the reading frame from glutamic acid 28.
Molecular consequence: frameshift variant. On other transcripts: intron variant (1).
Genome position (GRCh38, 1-based): chr17:1,766,990, A duplicated. VCF-style (leftmost placement, unchanged base first): chr17-1766989-G-GA. GRCh37 (hg19) VCF-style: chr17-1670283-G-GA.
Other names: c.80dup, p.Glu28fs (NM_001329903.2); c.-477-2862dup (NM_001329904.2); short protein forms E28fs.
Identifiers: ClinVar variation 4875589 (VCV004875589.1).